The following is an entry in ClinVar:

NM_020686.6(ABAT):c.169-2A>G

Gene: ABAT (4-aminobutyrate aminotransferase; plus strand). Cytogenetic location: 16p13.2.
Variant type: single nucleotide variant.
Coding change: c.169-2A>G on transcript NM_020686.6 (MANE Select); the canonical splice acceptor site of the intron before coding-DNA position 169, A replaced by G.
Molecular consequence: splice acceptor variant. On other transcripts: intron variant (1).
Genome position (GRCh38, 1-based): chr16:8,748,106, A>G. VCF-style: chr16-8748106-A-G. GRCh37 (hg19) VCF-style: chr16-8841963-A-G.
Other names: c.169-2A>G (NM_001386602.1, NM_001386615.1, NM_001386609.1 and 11 more transcripts); c.71-2A>G (NM_001386610.1); c.71-9651A>G (NM_001386614.1); c.34-2A>G (NM_001386611.1, NM_001386612.1, NM_001386613.1).
Identifiers: ClinVar variation 1473431 (VCV001473431.6), dbSNP rs939876800, ClinGen allele CA277464450.

ClinVar aggregate classification (germline): Likely pathogenic (1 of 4 stars; one submission).

Conditions:
Gamma-aminobutyric acid transaminase deficiency (GABATD). Also called: GABA transaminase deficiency; Gamma aminobutyrate transaminase deficiency; 4 alpha aminobutyrate transaminase deficiency; GABA aminotransaminase deficiency. Identifiers: Orphanet 2066, MedGen C0342708, MONDO:0013166, OMIM 613163.

Allele frequency attached by ClinVar (database versions not stated): gnomAD exomes below 0.00001 and 0.00001; TOPMed below 0.00001; gnomAD 0.00001.
gnomAD v4.1: 12 of 1,613,442 alleles (0.00074%); highest among the groups gnomAD compares: Non-Finnish European, 0.001%; no homozygotes.

Submission:

Labcorp Genetics (formerly Invitae), Labcorp
Classification: Likely pathogenic for Gamma-aminobutyric acid transaminase deficiency. Last evaluated: 2021-08-16. Review status: criteria provided, single submitter. Criteria: Invitae Variant Classification Sherloc (09022015). Collection method: clinical testing. Allele origin: germline.
Comment: This variant has not been reported in the literature in individuals affected with ABAT-related conditions. This sequence change affects an acceptor splice site in intron 3 of the ABAT gene. It is expected to disrupt RNA splicing. Variants that disrupt the donor or acceptor splice site typically lead to a loss of protein function (PMID: 16199547), and loss-of-function variants in ABAT are known to be pathogenic (PMID: 20052547, 25738457). This variant is not present in population databases (ExAC no frequency). Algorithms developed to predict the effect of sequence changes on RNA splicing suggest that this variant may disrupt the consensus splice site. In summary, the currently available evidence indicates that the variant is pathogenic, but additional data are needed to prove that conclusively. Therefore, this variant has been classified as Likely Pathogenic.

Literature cited by the submitters: PubMed 16199547; PubMed 20052547; PubMed 25738457.